The following is an entry in ClinVar:

ClinVar aggregate classification (germline): Uncertain significance (1 of 4 stars; one submission).

Conditions:
Hereditary cancer-predisposing syndrome. Also called: Hereditary Cancer Syndrome; Hereditary neoplastic syndrome; Tumor predisposition; Neoplastic Syndromes, Hereditary. Identifiers: Orphanet 140162, MedGen C0027672, MeSH D009386, MONDO:0015356.

Submission:

Ambry Genetics
Classification: Uncertain significance for Hereditary cancer-predisposing syndrome. Last evaluated: 2024-07-11. Review status: criteria provided, single submitter. Criteria: Ambry Variant Classification Scheme 2023. Collection method: clinical testing. Allele origin: germline.
Comment: The p.L1574V variant (also known as c.4720C>G), located in coding exon 29 of the ALK gene, results from a C to G substitution at nucleotide position 4720. The leucine at codon 1574 is replaced by valine, an amino acid with highly similar properties. This amino acid position is conserved. In addition, this alteration is predicted to be tolerated by in silico analysis. Based on the available evidence, the clinical significance of this variant remains unclear.

NM_004304.5(ALK):c.4720C>G (p.Leu1574Val)

Gene: ALK (ALK receptor tyrosine kinase; minus strand). Cytogenetic location: 2p23.2.
Variant type: single nucleotide variant.
Coding change: c.4720C>G on transcript NM_004304.5 (MANE Select); coding-DNA position 4720, C replaced by G.
Protein change: p.Leu1574Val; replaces leucine 1574 with valine.
Molecular consequence: missense variant.
Genome position (GRCh38, 1-based): chr2:29,193,367, G>C on the plus strand (C>G on the coding strand, the complement: ALK is on the minus strand). VCF-style: chr2-29193367-G-C. GRCh37 (hg19) VCF-style: chr2-29416233-G-C.
Other names: c.1516C>G, p.Leu506Val (NM_001353765.2); short protein forms L506V, L1574V.
Identifiers: ClinVar variation 3523433 (VCV003523433.1).